The following is an entry in ClinVar:

NM_005262.3(GFER):c.591C>G (p.Asp197Glu)

Gene: GFER (growth factor, augmenter of liver regeneration; plus strand). Cytogenetic location: 16p13.3.
Variant type: single nucleotide variant.
Coding change: c.591C>G on transcript NM_005262.3 (MANE Select); coding-DNA position 591, C replaced by G.
Protein change: p.Asp197Glu; replaces aspartic acid 197 with glutamic acid.
Molecular consequence: missense variant.
Genome position (GRCh38, 1-based): chr16:1,986,001, C>G. VCF-style: chr16-1986001-C-G. GRCh37 (hg19) VCF-style: chr16-2036002-C-G.
Other names: short protein forms D197E.
Identifiers: ClinVar variation 1544722 (VCV001544722.12), dbSNP rs28738719, ClinGen allele CA7826102.
Genomic context (GRCh38, chr16:1,986,001, plus strand): 5'-GAACCGCAAGCTGGGCAAGCCTGACTTCGACTGCTCAAAAGTGGATGAGCGCTGGCGCGA[C>G]GGCTGGAAGGATGGCTCCTGTGACTAGAGGGTGGTCAGCCAGAGCTCATGGGACAGCTAG-3'
Protein context (NP_005253.3, residues 187-205): DCSKVDERWR[Asp197Glu]GWKDGSCD

ClinVar aggregate classification (germline): Conflicting classifications of pathogenicity. Review status: criteria provided, conflicting classifications (1 of 4 stars). 3 submissions from 3 submitters: Uncertain significance (1); Likely benign (1). 1 of the submissions does not count toward it. Last evaluated 2026-01-26.

Conditions:
GFER-related disorder. Also called: GFER-related condition.

Allele frequency attached by ClinVar (database versions not stated): 1000 Genomes Project 0.00040; 1000 Genomes Project 30x 0.00047; ESP Exome Variant Server 0.00077.

Submissions (3):

Labcorp Genetics (formerly Invitae), Labcorp
Classification: Likely benign. Last evaluated: 2026-01-26. Review status: criteria provided, single submitter. Criteria: Invitae Variant Classification Sherloc (09022015). Collection method: clinical testing. Allele origin: germline.

GeneDx
Classification: Uncertain significance. Last evaluated: 2026-01-07. Review status: criteria provided, single submitter. Criteria: GeneDx Variant Classification Process June 2021. Collection method: clinical testing. Allele origin: germline. Affected: yes.
Comment: In silico analysis supports that this missense variant has a deleterious effect on protein structure/function; Has not been previously published as pathogenic or benign to our knowledge

PreventionGenetics, part of Exact Sciences
Classification: Likely benign for GFER-related condition. Last evaluated: 2024-06-13. Review status: no assertion criteria provided. Collection method: clinical testing. Allele origin: germline. Not counted in ClinVar's aggregate classification.
Comment: This variant is classified as likely benign based on ACMG/AMP sequence variant interpretation guidelines (Richards et al. 2015 PMID: 25741868, with internal and published modifications).